The following is an entry in ClinVar:

ClinVar aggregate classification (germline): Uncertain significance. Review status: criteria provided, multiple submitters, no conflicts (2 of 4 stars). 2 submissions from 2 submitters: Uncertain significance (2). Last evaluated 2022-06-24.

Allele frequency attached by ClinVar (database versions not stated): gnomAD exomes below 0.00001; TOPMed below 0.00001.
gnomAD v4.1: 1 of 1,610,246 alleles (0.000062%); highest among the groups gnomAD compares: Non-Finnish European, 0.000085%; no homozygotes.

Submissions (2):

Blueprint Genetics
Classification: Uncertain significance. Last evaluated: 2022-06-24. Review status: criteria provided, single submitter. Criteria: ACMG Guidelines, 2015. Collection method: clinical testing. Allele origin: germline.

Labcorp Genetics (formerly Invitae), Labcorp
Classification: Uncertain significance. Last evaluated: 2021-12-07. Review status: criteria provided, single submitter. Criteria: Invitae Variant Classification Sherloc (09022015). Collection method: clinical testing. Allele origin: germline.
Comment: This sequence change replaces proline, which is neutral and non-polar, with serine, which is neutral and polar, at codon 5744 of the ADGRV1 protein (p.Pro5744Ser). This variant is not present in population databases (gnomAD no frequency). This variant has not been reported in the literature in individuals affected with ADGRV1-related conditions. Algorithms developed to predict the effect of missense changes on protein structure and function are either unavailable or do not agree on the potential impact of this missense change (SIFT: "Deleterious"; PolyPhen-2: "Possibly Damaging"; Align-GVGD: "Class C0"). In summary, the available evidence is currently insufficient to determine the role of this variant in disease. Therefore, it has been classified as a Variant of Uncertain Significance.

NM_032119.4(ADGRV1):c.17230C>T (p.Pro5744Ser)

Gene: ADGRV1 (adhesion G protein-coupled receptor V1; plus strand). Cytogenetic location: 5q14.3.
Variant type: single nucleotide variant.
Coding change: c.17230C>T on transcript NM_032119.4 (MANE Select); coding-DNA position 17230, C replaced by T.
Protein change: p.Pro5744Ser; replaces proline 5744 with serine.
Molecular consequence: missense variant. On other transcripts: non-coding transcript variant (1).
Genome position (GRCh38, 1-based): chr5:90,853,309, C>T. VCF-style: chr5-90853309-C-T. GRCh37 (hg19) VCF-style: chr5-90149126-C-T.
Other names: short protein forms P5744S.
Identifiers: ClinVar variation 1382725 (VCV001382725.7), dbSNP rs1483277044, ClinGen allele CA360429898.